The following is an entry in ClinVar:

ClinVar aggregate classification (germline): Conflicting classifications of pathogenicity. Review status: criteria provided, conflicting classifications (1 of 4 stars). 2 submissions from 2 submitters: Uncertain significance (1); Likely benign (1). Last evaluated 2025-01-27.

Allele frequency attached by ClinVar (database versions not stated): gnomAD exomes 0.00001; TOPMed 0.00001; ExAC 0.00001; gnomAD 0.00001.
gnomAD v4.1: 10 of 1,613,356 alleles (0.00062%); highest among the groups gnomAD compares: East Asian, 0.0045%; no homozygotes.

Submissions (2):

Mayo Clinic Laboratories, Mayo Clinic
Classification: Likely benign. Last evaluated: 2025-01-27. Review status: criteria provided, single submitter. Criteria: ACMG Guidelines, 2015. Collection method: clinical testing. Allele origin: germline. Observed: 1 variant allele.
Comment: BP4, BP7

Labcorp Genetics (formerly Invitae), Labcorp
Classification: Uncertain significance. Last evaluated: 2022-03-24. Review status: criteria provided, single submitter. Criteria: Invitae Variant Classification Sherloc (09022015). Collection method: clinical testing. Allele origin: germline.
Comment: This sequence change falls in intron 7 of the VPS13A gene. It does not directly change the encoded amino acid sequence of the VPS13A protein. It affects a nucleotide within the consensus splice site. This variant is present in population databases (rs753300394, gnomAD 0.01%). This variant has not been reported in the literature in individuals affected with VPS13A-related conditions. Variants that disrupt the consensus splice site are a relatively common cause of aberrant splicing (PMID: 17576681, 9536098). Algorithms developed to predict the effect of sequence changes on RNA splicing suggest that this variant may disrupt the consensus splice site. In summary, the available evidence is currently insufficient to determine the role of this variant in disease. Therefore, it has been classified as a Variant of Uncertain Significance.

Literature cited by the submitters: PubMed 17576681 (cited by Labcorp Genetics (formerly Invitae), Labcorp); PubMed 9536098 (cited by Labcorp Genetics (formerly Invitae), Labcorp).

NM_033305.3(VPS13A):c.555+4T>G

Gene: VPS13A (vacuolar protein sorting 13 homolog A; plus strand). Cytogenetic location: 9q21.2.
Variant type: single nucleotide variant.
Coding change: c.555+4T>G on transcript NM_033305.3 (MANE Select); 4 bases into the intron after coding-DNA position 555, T replaced by G.
Molecular consequence: intron variant.
Genome position (GRCh38, 1-based): chr9:77,210,679, T>G. VCF-style: chr9-77210679-T-G. GRCh37 (hg19) VCF-style: chr9-79825595-T-G.
Other names: p.?; c.555+4T>G (NM_001018037.2, NM_015186.4, NM_001018038.3).
Identifiers: ClinVar variation 2159835 (VCV002159835.2), dbSNP rs753300394, ClinGen allele CA5091377.
Genomic context (GRCh38, chr9:77,210,679, plus strand): 5'-ACAAATCGGGACAAACCGCTGTCATTTGGTATTTCCCTTCAAAATCTGAGCATGCAGGTA[T>G]TTTGTTTATAAAAGAATCTTAACCATATTTAATGTGCAATATAGTCTATTAAACTGCTAC-3'